The following is an entry in ClinVar:

ClinVar aggregate classification (germline): Uncertain significance (1 of 4 stars; one submission).

Conditions:
Familial thoracic aortic aneurysm and aortic dissection (TAAD). Also called: Thoracic aortic aneurysms and dissections. Identifiers: Orphanet 91387, MedGen C4707243, MONDO:0019625.

gnomAD v4.1: 2 of 1,614,088 alleles (0.00012%); highest among the groups gnomAD compares: African/African-American, 0.0013%; no homozygotes.

Submission:

Ambry Genetics
Classification: Uncertain significance for Familial thoracic aortic aneurysm and aortic dissection. Last evaluated: 2025-06-10. Review status: criteria provided, single submitter. Criteria: Ambry Variant Classification Scheme 2023. Collection method: clinical testing. Allele origin: germline.
Comment: The p.P359A variant (also known as c.1075C>G), located in coding exon 7 of the MYLK gene, results from a C to G substitution at nucleotide position 1075. The proline at codon 359 is replaced by alanine, an amino acid with highly similar properties. This amino acid position is conserved. In addition, this alteration is predicted to be tolerated by in silico analysis. Based on the available evidence, the clinical significance of this variant remains unclear.

NM_053025.4(MYLK):c.1075C>G (p.Pro359Ala)

Gene: MYLK (myosin light chain kinase; minus strand). Cytogenetic location: 3q21.1.
Variant type: single nucleotide variant.
Coding change: c.1075C>G on transcript NM_053025.4 (MANE Select); coding-DNA position 1075, C replaced by G.
Protein change: p.Pro359Ala; replaces proline 359 with alanine.
Molecular consequence: missense variant.
Genome position (GRCh38, 1-based): chr3:123,733,921, G>C on the plus strand (C>G on the coding strand, the complement: MYLK is on the minus strand). VCF-style: chr3-123733921-G-C. GRCh37 (hg19) VCF-style: chr3-123452768-G-C.
Other names: c.547C>G, p.Pro183Ala (NM_001321309.2); c.1075C>G, p.Pro359Ala (NM_053026.4, NM_053027.4, NM_053028.4); short protein forms P183A, P359A.
Identifiers: ClinVar variation 3915779 (VCV003915779.1).